The following is an entry in ClinVar:

ClinVar aggregate classification (germline): Uncertain significance (1 of 4 stars; one submission).

Conditions:
Early-onset Lafora body disease. Also called: Epilepsy, progressive myoclonic, 10. Identifiers: Orphanet 324290, MedGen C4225258, MONDO:0014717, OMIM 616640.

Submission:

Labcorp Genetics (formerly Invitae), Labcorp
Classification: Uncertain significance for Early-onset Lafora body disease. Last evaluated: 2022-03-04. Review status: criteria provided, single submitter. Criteria: Invitae Variant Classification Sherloc (09022015). Collection method: clinical testing. Allele origin: germline.
Comment: In summary, the available evidence is currently insufficient to determine the role of this variant in disease. Therefore, it has been classified as a Variant of Uncertain Significance. Algorithms developed to predict the effect of sequence changes on RNA splicing suggest that this variant may create or strengthen a splice site. This variant has not been reported in the literature in individuals affected with PRDM8-related conditions. This variant is not present in population databases (gnomAD no frequency). This variant, c.1511_1531dup, results in the insertion of 7 amino acid(s) of the PRDM8 protein (p.Pro504_Gln510dup), but otherwise preserves the integrity of the reading frame.

NM_001099403.2(PRDM8):c.1511_1531dup (p.Gln510_Leu511insProAlaArgSerPheSerGln)

Genes: PRDM8 (PR/SET domain 8; plus strand), LOC129992745 (ATAC-STARR-seq lymphoblastoid silent region 15522; plus strand). Cytogenetic location: 4q21.21.
Variant type: Duplication.
Coding change: c.1511_1531dup on transcript NM_001099403.2 (MANE Select); coding-DNA positions 1511 to 1531, 21 bases duplicated (CAGCACGCTCTTTCTCGCAGC).
Protein change: p.Gln510_Leu511insProAlaArgSerPheSerGln.
Molecular consequence: inframe insertion.
Genome position (GRCh38, 1-based): chr4:80,202,973-80,202,993, CAGCACGCTCTTTCTCGCAGC duplicated; duplicating any 21 consecutive bases within chr4:80,202,963-80,202,993 gives the same sequence; the c. name uses the placement nearest the transcript's 3' end. VCF-style (leftmost placement, unchanged base first): chr4-80202962-C-CTTCTCGCAGCCAGCACGCTCT. GRCh37 (hg19) VCF-style: chr4-81124116-C-CTTCTCGCAGCCAGCACGCTCT.
Other names: c.1511_1531dup, p.Gln510_Leu511insProAlaArgSerPheSerGln (NM_020226.4).
Identifiers: ClinVar variation 2061056 (VCV002061056.4), dbSNP rs2475916644, ClinGen allele CA2580071828.